The following is an entry in ClinVar:

ClinVar aggregate classification (germline): Pathogenic (1 of 4 stars; one submission).

Conditions:
Perlman syndrome (PRLMNS). Identifiers: Orphanet 2849, MedGen C0796113, MONDO:0009965, OMIM 267000.

Submission:

Labcorp Genetics (formerly Invitae), Labcorp
Classification: Pathogenic for Perlman syndrome. Last evaluated: 2022-11-01. Review status: criteria provided, single submitter. Criteria: Invitae Variant Classification Sherloc (09022015). Collection method: clinical testing. Allele origin: germline.
Comment: For these reasons, this variant has been classified as Pathogenic. ClinVar contains an entry for this variant (Variation ID: 652833). This variant has not been reported in the literature in individuals affected with DIS3L2-related conditions. This variant is not present in population databases (gnomAD no frequency). This sequence change creates a premature translational stop signal (p.Glu519Alafs*9) in the DIS3L2 gene. It is expected to result in an absent or disrupted protein product. Loss-of-function variants in DIS3L2 are known to be pathogenic (PMID: 22306653, 28328139).

Literature cited by the submitters: PubMed 22306653; PubMed 28328139.

NM_152383.5(DIS3L2):c.1556_1565del (p.Glu519fs)

Gene: DIS3L2 (DIS3 like 3'-5' exoribonuclease 2; plus strand). Cytogenetic location: 2q37.1.
Variant type: Deletion.
Coding change: c.1556_1565del on transcript NM_152383.5 (MANE Select); coding-DNA positions 1556 to 1565, 10 bases deleted (AGCATAGCAG; older notation c.1556_1565delAGCATAGCAG).
Protein change: p.Glu519fs; shifts the reading frame from glutamic acid 519.
Molecular consequence: frameshift variant. On other transcripts: non-coding transcript variant (2).
Genome position (GRCh38, 1-based): chr2:232,263,337-232,263,346, AGCATAGCAG deleted; deleting any 10 consecutive bases within chr2:232,263,334-232,263,346 gives the same sequence; the c. name uses the placement nearest the transcript's 3' end. VCF-style (leftmost placement, unchanged base first): chr2-232263333-CCAGAGCATAG-C. GRCh37 (hg19) VCF-style: chr2-233128043-CCAGAGCATAG-C.
Other names: c.1556_1565del, p.Glu519fs (NM_001257281.2); c.1556_1565delAGCATAGCAG (NM_152383.4); short protein forms E519fs.
Identifiers: ClinVar variation 652833 (VCV000652833.6), dbSNP rs1574980061, ClinGen allele CA431947403.
Genomic context (GRCh38, chr2:232,263,333, plus strand): 5'-CAGAGCATGATTGAAAGCCCAACTGAGAAAATCCCTGCGAAAGAGCTGCCCCCCATTTCC[CCAGAGCATAG>C]CAGCGAGGAGGTACACCAGGCCGTCTTGAATCTCCACGGAATTGCCAAGCAGTTACGCCA-3'